The following is an entry in ClinVar:

ClinVar aggregate classification (germline): Uncertain significance. Review status: criteria provided, multiple submitters, no conflicts (2 of 4 stars). 2 submissions from 2 submitters: Uncertain significance (2). Last evaluated 2024-08-23.

Conditions:
Cardiovascular phenotype. Identifiers: MedGen CN230736.
Hypercholesterolemia, autosomal dominant, type B (FHCL2). Also called: APOB-Related Familial Hypercholesterolemia, Autosomal Dominant; Familial Hypercholesterolemia Type B; APOLIPOPROTEIN B-100, FAMILIAL DEFECTIVE; APOLIPOPROTEIN B-100, FAMILIAL LIGAND-DEFECTIVE; HYPERCHOLESTEROLEMIA, FAMILIAL, DUE TO LIGAND-DEFECTIVE APOLIPOPROTEIN B; Hyperlipoproteinemia Type IIb. Identifiers: MedGen C1704417, MONDO:0007751, OMIM 144010.
Familial hypobetalipoproteinemia 1. Also called: Hypobetalipoproteinemia, normotriglyceridemic; Acanthocytosis with hypobetalipoproteinemia; APOB-Related Familial Hypobetalipoproteinemia. Identifiers: MedGen C4551990, MONDO:0014252, OMIM 615558.

Allele frequency attached by ClinVar (database versions not stated): gnomAD exomes below 0.00001; ExAC 0.00001.
gnomAD v4.1: 4 of 1,611,036 alleles (0.00025%); highest among the groups gnomAD compares: Middle Eastern, 0.017%; no homozygotes.

Submissions (2):

Ambry Genetics
Classification: Uncertain significance for Cardiovascular phenotype. Last evaluated: 2024-08-23. Review status: criteria provided, single submitter. Criteria: Ambry Variant Classification Scheme 2023. Collection method: clinical testing. Allele origin: germline.
Comment: The p.D2105E variant (also known as c.6315T>A), located in coding exon 26 of the APOB gene, results from a T to A substitution at nucleotide position 6315. The aspartic acid at codon 2105 is replaced by glutamic acid, an amino acid with highly similar properties. This amino acid position is conserved. In addition, this alteration is predicted to be tolerated by in silico analysis. Based on the available evidence, the clinical significance of this variant remains unclear.

Labcorp Genetics (formerly Invitae), Labcorp
Classification: Uncertain significance for Familial hypobetalipoproteinemia 1; Hypercholesterolemia, autosomal dominant, type B. Last evaluated: 2023-07-08. Review status: criteria provided, single submitter. Criteria: Invitae Variant Classification Sherloc (09022015). Collection method: clinical testing. Allele origin: germline.
Comment: In summary, the available evidence is currently insufficient to determine the role of this variant in disease. Therefore, it has been classified as a Variant of Uncertain Significance. This sequence change replaces aspartic acid, which is acidic and polar, with glutamic acid, which is acidic and polar, at codon 2105 of the APOB protein (p.Asp2105Glu). This variant is present in population databases (rs769837347, gnomAD 0.0009%). This variant has not been reported in the literature in individuals affected with APOB-related conditions. ClinVar contains an entry for this variant (Variation ID: 630289). Advanced modeling of protein sequence and biophysical properties (such as structural, functional, and spatial information, amino acid conservation, physicochemical variation, residue mobility, and thermodynamic stability) performed at Invitae indicates that this missense variant is not expected to disrupt APOB protein function.

NM_000384.3(APOB):c.6315T>A (p.Asp2105Glu)

Gene: APOB (apolipoprotein B; minus strand). Cytogenetic location: 2p24.1.
Variant type: single nucleotide variant.
Coding change: c.6315T>A on transcript NM_000384.3 (MANE Select); coding-DNA position 6315, T replaced by A.
Protein change: p.Asp2105Glu; replaces aspartic acid 2105 with glutamic acid.
Molecular consequence: missense variant.
Genome position (GRCh38, 1-based): chr2:21,010,553, A>T on the plus strand (T>A on the coding strand, the complement: APOB is on the minus strand). VCF-style: chr2-21010553-A-T. GRCh37 (hg19) VCF-style: chr2-21233425-A-T.
Other names: short protein forms D2105E.
Identifiers: ClinVar variation 2928562 (VCV002928562.3), dbSNP rs769837347, ClinGen allele CA063100.
Genomic context (GRCh38, chr2:21,010,553, plus strand): 5'-ATAATCATTAGCTTGCTGTGGGAGTTTTCCCAGGGCTGCTCTGTATTTTCTTACAAATTG[A>T]TCAATATTGATGTGCTTCAGGTTTCTCTGTACGTTTTCCAGTACAACTATAATGGTTTGT-3'
Protein context (NP_000375.3, residues 2095-2115): VQRNLKHINI[Asp2105Glu]QFVRKYRAAL